The following is an entry in ClinVar:

ClinVar aggregate classification (germline): Uncertain significance (1 of 4 stars; one submission).

gnomAD v4.1: 15 of 1,606,692 alleles (0.00093%); highest among the groups gnomAD compares: South Asian, 0.012%; no homozygotes.

Submission:

GeneDx
Classification: Uncertain significance. Last evaluated: 2026-08-12. Review status: criteria provided, single submitter. Criteria: GeneDx Variant Classification Process June 2021. Collection method: clinical testing. Allele origin: germline.
Comment: Not observed at significant frequency in large population cohorts (gnomAD); In silico analysis suggests that this missense variant does not alter protein structure/function; Has not been previously published as pathogenic or benign to our knowledge

NM_138694.4(PKHD1):c.4381G>A (p.Val1461Ile)

Gene: PKHD1 (PKHD1 ciliary IPT domain containing fibrocystin/polyductin; minus strand). Cytogenetic location: 6p12.2.
Variant type: single nucleotide variant.
Coding change: c.4381G>A on transcript NM_138694.4 (MANE Select); coding-DNA position 4381, G replaced by A.
Protein change: p.Val1461Ile; replaces valine 1461 with isoleucine.
Molecular consequence: missense variant.
Genome position (GRCh38, 1-based): chr6:52,025,429, C>T on the plus strand (G>A on the coding strand, the complement: PKHD1 is on the minus strand). VCF-style: chr6-52025429-C-T. GRCh37 (hg19) VCF-style: chr6-51890227-C-T.
Other names: c.4381G>A, p.Val1461Ile (NM_170724.3); short protein forms V1461I.
Identifiers: ClinVar variation 3370208 (VCV003370208.2).
Genomic context (GRCh38, chr6:52,025,429, plus strand): 5'-TTATGAAAAGAGTGCAATTCCCCTGACACTCGCTGGTTAGCCCATTGACCAGGACTGTGA[C>T]GTTCAGGGAGAAGGAAGCTCCAGGCAAGGGGTCACCCTCCAGGCTAACCTGGCAGAGAAT-3'
Protein context (NP_619639.3, residues 1451-1471): PLPGASFSLN[Val1461Ile]TVLVNGLTSE